The following is an entry in ClinVar:

NM_020822.3(KCNT1):c.1234A>G (p.Met412Val)

Gene: KCNT1 (potassium sodium-activated channel subfamily T member 1; plus strand). Cytogenetic location: 9q34.3.
Variant type: single nucleotide variant.
Coding change: c.1234A>G on transcript NM_020822.3 (MANE Select); coding-DNA position 1234, A replaced by G.
Protein change: p.Met412Val; replaces methionine 412 with valine.
Molecular consequence: missense variant.
Genome position (GRCh38, 1-based): chr9:135,765,657, A>G. VCF-style: chr9-135765657-A-G. GRCh37 (hg19) VCF-style: chr9-138657503-A-G.
Other names: c.1099A>G, p.Met367Val (NM_001272003.2); short protein forms M367V, M412V.
Identifiers: ClinVar variation 859686 (VCV000859686.12), dbSNP rs988871689, ClinGen allele CA201465662.

ClinVar aggregate classification (germline): Uncertain significance. Review status: criteria provided, multiple submitters, no conflicts (2 of 4 stars). 4 submissions from 3 submitters: Uncertain significance (4). Last evaluated 2022-03-15.

Conditions:
Autosomal dominant nocturnal frontal lobe epilepsy 5. Also called: Epilepsy, nocturnal frontal lobe, 5; CILIARY DYSKINESIA, PRIMARY, 28, WITHOUT SITUS INVERSUS; CILIARY DYSKINESIA, PRIMARY, 28, WITH SITUS INVERSUS; KCNT1-Related Epilepsy. Identifiers: Orphanet 98784, MedGen C3554306, MONDO:0014002, OMIM 615005.
Developmental and epileptic encephalopathy, 14 (DEE14). Also called: Early infantile epileptic encephalopathy 14. Identifiers: Orphanet 293181, MedGen C3554195, MONDO:0013989, OMIM 614959.

Allele frequency attached by ClinVar (database versions not stated): gnomAD exomes below 0.00001; TOPMed below 0.00001.
gnomAD v4.1: 4 of 1,611,102 alleles (0.00025%); highest among the groups gnomAD compares: Non-Finnish European, 0.00025%; no homozygotes.

Submissions (4):

Genome-Nilou Lab
Classification: Uncertain significance for Developmental and epileptic encephalopathy, 14. Last evaluated: 2022-03-15. Review status: criteria provided, single submitter. Criteria: ACMG Guidelines, 2015. Collection method: clinical testing. Allele origin: germline. Affected: no.

Genome-Nilou Lab
Classification: Uncertain significance for Autosomal dominant nocturnal frontal lobe epilepsy 5. Last evaluated: 2022-03-15. Review status: criteria provided, single submitter. Criteria: ACMG Guidelines, 2015. Collection method: clinical testing. Allele origin: germline. Affected: no.

GeneDx
Classification: Uncertain significance. Last evaluated: 2022-01-13. Review status: criteria provided, single submitter. Criteria: GeneDx Variant Classification Process June 2021. Collection method: clinical testing. Allele origin: germline. Affected: yes.
Comment: Not observed at significant frequency in large population cohorts (gnomAD); In silico analysis supports that this missense variant does not alter protein structure/function; Has not been previously published as pathogenic or benign to our knowledge

Labcorp Genetics (formerly Invitae), Labcorp
Classification: Uncertain significance for Autosomal dominant nocturnal frontal lobe epilepsy 5; Developmental and epileptic encephalopathy, 14. Last evaluated: 2019-02-13. Review status: criteria provided, single submitter. Criteria: Invitae Variant Classification Sherloc (09022015). Collection method: clinical testing. Allele origin: germline.
Comment: This sequence change replaces methionine with valine at codon 412 of the KCNT1 protein (p.Met412Val). The methionine residue is moderately conserved and there is a small physicochemical difference between methionine and valine. This variant is not present in population databases (ExAC no frequency). This variant has not been reported in the literature in individuals with KCNT1-related conditions. Algorithms developed to predict the effect of missense changes on protein structure and function are either unavailable or do not agree on the potential impact of this missense change (SIFT: "Deleterious"; PolyPhen-2: "Benign"; Align-GVGD: "Class C0"). Algorithms developed to predict the effect of sequence changes on RNA splicing suggest that this variant may create or strengthen a splice site, but this prediction has not been confirmed by published transcriptional studies. In summary, the available evidence is currently insufficient to determine the role of this variant in disease. Therefore, it has been classified as a Variant of Uncertain Significance.